The following is an entry in ClinVar:

NM_000170.3(GLDC):c.2310del (p.Ile770fs)

Gene: GLDC (glycine decarboxylase; minus strand). Cytogenetic location: 9p24.1.
Variant type: Deletion.
Coding change: c.2310del on transcript NM_000170.3 (MANE Select); coding-DNA position 2310, one base deleted (C; older notation c.2310delC).
Protein change: p.Ile770fs; shifts the reading frame from isoleucine 770.
Molecular consequence: frameshift variant.
Genome position (GRCh38, 1-based): chr9:6,554,674, G deleted on the plus strand (C on the coding strand, the reverse complement: GLDC is on the minus strand). VCF-style (leftmost placement, unchanged base first): chr9-6554673-CG-C. GRCh37 (hg19) VCF-style: chr9-6554673-CG-C.
Other names: short protein forms I770fs.
Identifiers: ClinVar variation 1454183 (VCV001454183.2), dbSNP rs2129719586, ClinGen allele CA2573144485.

ClinVar aggregate classification (germline): Pathogenic (1 of 4 stars; one submission).

Conditions:
Glycine encephalopathy. Also called: Non-ketotic hyperglycinemia; Nonketotic hyperglycinemia. Identifiers: Orphanet 407, MedGen C0751748, MONDO:0011612, HP:0008288.

Submission:

Labcorp Genetics (formerly Invitae), Labcorp
Classification: Pathogenic for Glycine encephalopathy. Last evaluated: 2021-09-22. Review status: criteria provided, single submitter. Criteria: Invitae Variant Classification Sherloc (09022015). Collection method: clinical testing. Allele origin: germline.
Comment: This sequence change creates a premature translational stop signal (p.Ile770Metfs*3) in the GLDC gene. It is expected to result in an absent or disrupted protein product. Loss-of-function variants in GLDC are known to be pathogenic (PMID: 16601880). This variant is not present in population databases (ExAC no frequency). This variant has not been reported in the literature in individuals affected with GLDC-related conditions. For these reasons, this variant has been classified as Pathogenic.

Literature cited by the submitters: PubMed 16601880.